The following is an entry in ClinVar:

ClinVar aggregate classification (germline): Likely benign. Review status: criteria provided, multiple submitters, no conflicts (2 of 4 stars). 5 submissions from 5 submitters: Likely benign (4). 1 of the submissions does not count toward it. Last evaluated 2025-12-29.

Conditions:
HADHB-related disorder. Also called: HADHB-related condition.
Mitochondrial trifunctional protein deficiency. Identifiers: Orphanet 746, MedGen C1969443, MONDO:0012172.

Allele frequency attached by ClinVar (database versions not stated): gnomAD exomes 0.00005 and 0.00012; ExAC 0.00012; 1000 Genomes Project 0.00040; 1000 Genomes Project 30x 0.00047; gnomAD 0.00049 and 0.00052; TOPMed 0.00059; ESP Exome Variant Server 0.00077.
gnomAD v4.1: 157 of 1,589,050 alleles (0.0099%); highest among the groups gnomAD compares: Middle Eastern, 0.18%; no homozygotes.

Submissions (5):

Labcorp Genetics (formerly Invitae), Labcorp
Classification: Likely benign for Mitochondrial trifunctional protein deficiency. Last evaluated: 2025-12-29. Review status: criteria provided, single submitter. Criteria: Invitae Variant Classification Sherloc (09022015). Collection method: clinical testing. Allele origin: germline.

Mayo Clinic Laboratories, Mayo Clinic
Classification: Likely benign. Last evaluated: 2025-03-25. Review status: criteria provided, single submitter. Criteria: ACMG Guidelines, 2015. Collection method: clinical testing. Allele origin: germline. Observed: 2 variant alleles.
Comment: BS1, BP4, BP7

Blueprint Genetics
Classification: Likely benign. Last evaluated: 2023-09-20. Review status: criteria provided, single submitter. Criteria: ACMG Guidelines, 2015. Collection method: clinical testing. Allele origin: germline.

GeneDx
Classification: Likely benign. Last evaluated: 2019-11-04. Review status: criteria provided, single submitter. Criteria: GeneDx Variant Classification Process June 2021. Collection method: clinical testing. Allele origin: germline. Affected: yes.

PreventionGenetics, part of Exact Sciences
Classification: Likely benign for HADHB-related condition. Last evaluated: 2019-07-24. Review status: no assertion criteria provided. Collection method: clinical testing. Allele origin: germline. Not counted in ClinVar's aggregate classification.
Comment: This variant is classified as likely benign based on ACMG/AMP sequence variant interpretation guidelines (Richards et al. 2015 PMID: 25741868, with internal and published modifications).

NM_000183.3(HADHB):c.1119T>C (p.Ile373=)

Gene: HADHB (hydroxyacyl-CoA dehydrogenase trifunctional multienzyme complex subunit beta; plus strand). Cytogenetic location: 2p23.3.
Variant type: single nucleotide variant.
Coding change: c.1119T>C on transcript NM_000183.3 (MANE Select); coding-DNA position 1119, T replaced by C.
Protein change: p.Ile373=; no amino-acid change (isoleucine 373 retained).
Molecular consequence: synonymous variant.
Genome position (GRCh38, 1-based): chr2:26,284,174, T>C. VCF-style: chr2-26284174-T-C. GRCh37 (hg19) VCF-style: chr2-26507042-T-C.
Other names: p.Ile373=; c.1074T>C, p.Ile358= (NM_001281512.2); c.1053T>C, p.Ile351= (NM_001281513.2).
Identifiers: ClinVar variation 706365 (VCV000706365.17), dbSNP rs77943157, ClinGen allele CA1560454.
Genomic context (GRCh38, chr2:26,284,174, plus strand): 5'-CAGACCAACATATGCTACTCCAAAAGTTCTAGAAAAGGCAGGATTGACCATGAATGATAT[T>C]GATGCTTTTGAATTTCATGAAGCTTTCTCGGTAAGTAATTTGAAAGACACATATGAAGGG-3'
Protein context (NP_000174.1, residues 363-383): LEKAGLTMND[Ile373=]DAFEFHEAFS